The following is an entry in ClinVar:

NM_201384.3(PLEC):c.9335A>G (p.Gln3112Arg)

Gene: PLEC (plectin; minus strand). Cytogenetic location: 8q24.3.
Variant type: single nucleotide variant.
Coding change: c.9335A>G on transcript NM_201384.3 (MANE Select); coding-DNA position 9335, A replaced by G.
Protein change: p.Gln3112Arg; replaces glutamine 3112 with arginine.
Molecular consequence: missense variant.
Genome position (GRCh38, 1-based): chr8:143,920,486, T>C on the plus strand (A>G on the coding strand, the complement: PLEC is on the minus strand). VCF-style: chr8-143920486-T-C. GRCh37 (hg19) VCF-style: chr8-144994654-T-C.
Other names: c.9416A>G, p.Gln3139Arg (NM_000445.5); c.6035A>G, p.Gln2012Arg (NM_001410941.1); c.9293A>G, p.Gln3098Arg (NM_201378.4); c.9269A>G, p.Gln3090Arg (NM_201379.3); c.9746A>G, p.Gln3249Arg (NM_201380.4); c.9239A>G, p.Gln3080Arg (NM_201381.3); c.9335A>G, p.Gln3112Arg (NM_201382.4); c.9347A>G, p.Gln3116Arg (NM_201383.3); short protein forms Q3139R, Q2012R, Q3098R, Q3112R, Q3080R, Q3090R, Q3116R, Q3249R.
Identifiers: ClinVar variation 4788921 (VCV004788921.1).

ClinVar aggregate classification (germline): Uncertain significance (1 of 4 stars; one submission).

Conditions:
Epidermolysis bullosa simplex with nail dystrophy (EBS5D). Identifiers: MedGen C4225309, MONDO:0014661, OMIM 616487.
Epidermolysis bullosa simplex, Ogna type (EBS5A). Also called: EPIDERMOLYSIS BULLOSA SIMPLEX 5A, OGNA TYPE; Pidermolysis bullosa simplex 5A, Ogna type. Identifiers: Orphanet 79401, MedGen C0432317, MONDO:0007555, OMIM 131950.
Autosomal recessive limb-girdle muscular dystrophy type 2Q (LGMDR17). Also called: MUSCULAR DYSTROPHY, LIMB-GIRDLE, AUTOSOMAL RECESSIVE 17. Identifiers: Orphanet 254361, MedGen C3150989, MONDO:0013390, OMIM 613723.
Epidermolysis bullosa simplex 5B, with muscular dystrophy (EBS5B). Also called: EPIDERMOLYSIS BULLOSA SIMPLEX AND LIMB-GIRDLE MUSCULAR DYSTROPHY; Epidermolysis bullosa simplex with muscular dystrophy. Identifiers: Orphanet 257, MedGen C2931072, MONDO:0009181, OMIM 226670.
Epidermolysis bullosa simplex 5C, with pyloric atresia (EBS5C). Also called: PLEC-Related Epidermolysis Bullosa with Pyloric Atresia; Epidermolysis bullosa simplex with pyloric atresia; PLEC1-Related Epidermolysis Bullosa with Pyloric Atresia. Identifiers: Orphanet 158684, MedGen C2677349, MONDO:0012807, OMIM 612138.

gnomAD v4.1: 1 of 1,607,868 alleles (0.000062%); highest among the groups gnomAD compares: Admixed American, 0.0017%; no homozygotes.

Submission:

Labcorp Genetics (formerly Invitae), Labcorp
Classification: Uncertain significance for Autosomal recessive limb-girdle muscular dystrophy type 2Q; Epidermolysis bullosa simplex, Ogna type; Epidermolysis bullosa simplex with nail dystrophy; Epidermolysis bullosa simplex 5C, with pyloric atresia; Epidermolysis bullosa simplex 5B, with muscular dystrophy. Last evaluated: 2025-04-08. Review status: criteria provided, single submitter. Criteria: Invitae Variant Classification Sherloc (09022015). Collection method: clinical testing. Allele origin: germline.
Comment: This sequence change replaces glutamine, which is neutral and polar, with arginine, which is basic and polar, at codon 3139 of the PLEC protein (p.Gln3139Arg). This variant is not present in population databases (gnomAD no frequency). This variant has not been reported in the literature in individuals affected with PLEC-related conditions. An algorithm developed to predict the effect of missense changes on protein structure and function (PolyPhen-2) suggests that this variant is likely to be disruptive. In summary, the available evidence is currently insufficient to determine the role of this variant in disease. Therefore, it has been classified as a Variant of Uncertain Significance.